The following is an entry in ClinVar:

NM_004104.5(FASN):c.2669G>T (p.Gly890Val)

Gene: FASN (fatty acid synthase; minus strand). Cytogenetic location: 17q25.3.
Variant type: single nucleotide variant.
Coding change: c.2669G>T on transcript NM_004104.5 (MANE Select); coding-DNA position 2669, G replaced by T.
Protein change: p.Gly890Val; replaces glycine 890 with valine.
Molecular consequence: missense variant.
Genome position (GRCh38, 1-based): chr17:82,088,232, C>A on the plus strand (G>T on the coding strand, the complement: FASN is on the minus strand). VCF-style: chr17-82088232-C-A. GRCh37 (hg19) VCF-style: chr17-80046108-C-A.
Other names: short protein forms G890V.
Identifiers: ClinVar variation 1385504 (VCV001385504.8), dbSNP rs1181727150, ClinGen allele CA401556003.

ClinVar aggregate classification (germline): Uncertain significance (1 of 4 stars; one submission).

Conditions:
Epileptic encephalopathy. Identifiers: MedGen C0543888, HP:0200134.

Allele frequency attached by ClinVar (database versions not stated): gnomAD exomes 0.00001; TOPMed 0.00001.
gnomAD v4.1: 8 of 1,610,738 alleles (0.0005%); highest among the groups gnomAD compares: Non-Finnish European, 0.00068%; no homozygotes.

Submission:

Labcorp Genetics (formerly Invitae), Labcorp
Classification: Uncertain significance for Epileptic encephalopathy. Last evaluated: 2021-02-17. Review status: criteria provided, single submitter. Criteria: Invitae Variant Classification Sherloc (09022015). Collection method: clinical testing. Allele origin: germline.
Comment: In summary, the available evidence is currently insufficient to determine the role of this variant in disease. Therefore, it has been classified as a Variant of Uncertain Significance. Algorithms developed to predict the effect of missense changes on protein structure and function are either unavailable or do not agree on the potential impact of this missense change (SIFT: "Deleterious"; PolyPhen-2: "Probably Damaging"; Align-GVGD: "Class C0"). This variant has not been reported in the literature in individuals with FASN-related conditions. This variant is not present in population databases (ExAC no frequency). This sequence change replaces glycine with valine at codon 890 of the FASN protein (p.Gly890Val). The glycine residue is highly conserved and there is a moderate physicochemical difference between glycine and valine.